The following is an entry in ClinVar:

NM_001042492.3(NF1):c.560del (p.Cys187fs)

Gene: NF1 (neurofibromin 1; plus strand). Cytogenetic location: 17q11.2.
Variant type: Deletion.
Coding change: c.560del on transcript NM_001042492.3 (MANE Select); coding-DNA position 560, one base deleted (G; older notation c.560delG).
Protein change: p.Cys187fs; shifts the reading frame from cysteine 187.
Molecular consequence: frameshift variant.
Genome position (GRCh38, 1-based): chr17:31,169,971, G deleted. VCF-style (leftmost placement, unchanged base first): chr17-31169970-TG-T. GRCh37 (hg19) VCF-style: chr17-29496988-TG-T.
Other names: c.560delG (NM_000267.3); c.560delG, p.Cys187Leufs (NM_000267.4); c.560del, p.Cys187fs (NM_001128147.3); short protein forms C187fs.
Identifiers: ClinVar variation 480102 (VCV000480102.3), dbSNP rs1555607107, ClinGen allele CA658658582.

ClinVar aggregate classification (germline): Pathogenic. Review status: criteria provided, single submitter (1 of 4 stars). 2 submissions from 2 submitters: Pathogenic (1). 1 of the submissions does not count toward it. Last evaluated 2016-02-28.

Conditions:
Hereditary cancer-predisposing syndrome. Also called: Hereditary neoplastic syndrome; Neoplastic Syndromes, Hereditary; Tumor predisposition; Hereditary Cancer Syndrome. Identifiers: Orphanet 140162, MedGen C0027672, MeSH D009386, MONDO:0015356.
Neurofibromatosis, type 1 (NF1). Also called: VON RECKLINGHAUSEN DISEASE; Peripheral type neurofibromatosis; NEUROFIBROMATOSIS, TYPE I, SOMATIC; Neurofibromatosis, type I. Identifiers: Orphanet 636, MedGen C0027831, MONDO:0018975, OMIM 162200. Disease mechanism: loss of function.

Submissions (2):

Ambry Genetics
Classification: Pathogenic for Hereditary cancer-predisposing syndrome. Last evaluated: 2016-02-28. Review status: criteria provided, single submitter. Criteria: Ambry Autosomal Dominant and X-Linked criteria (10/2015). Collection method: clinical testing. Allele origin: germline. Observed: 1 variant allele.
Comment: The c.560delG pathogenic mutation, located in coding exon 5 of the NF1 gene, results from a deletion of one nucleotide at position 560, causing a translational frameshift with a predicted alternate stop codon. Since frameshifts are typically deleterious in nature, this alteration is interpreted as a disease-causing mutation (ACMG Recommendations for Standards for Interpretation and Reporting of Sequence Variations. Revision 2007. Genet Med. 2008;10:294).

Clinical Molecular Genetics Laboratory, Johns Hopkins All Children's Hospital
Classification: Pathogenic for Neurofibromatosis, type 1. Last evaluated: 2015-12-28. Review status: no assertion criteria provided. Collection method: clinical testing. Allele origin: germline. Affected: yes. Not counted in ClinVar's aggregate classification.